The following is an entry in ClinVar:

ClinVar aggregate classification (germline): Likely pathogenic (1 of 4 stars; one submission).

Conditions:
Hereditary cancer-predisposing syndrome. Also called: Neoplastic Syndromes, Hereditary; Tumor predisposition; Hereditary Cancer Syndrome; Hereditary neoplastic syndrome. Identifiers: Orphanet 140162, MedGen C0027672, MeSH D009386, MONDO:0015356.

Submission:

Ambry Genetics
Classification: Likely pathogenic for Hereditary cancer-predisposing syndrome. Last evaluated: 2026-04-27. Review status: criteria provided, single submitter. Criteria: Ambry Variant Classification Scheme 2023. Collection method: clinical testing. Allele origin: germline.
Comment: The c.9451_9452insAlu likely pathogenic variant results from the insertion of an Alu element between nucleotides 9451 and 9452 in coding exon 24 of the BRCA2 gene. Mobile element insertions contribute to pathogenicity by either disrupting the coding sequence or inducing aberrant splicing (Belancio VP et al. Semin. Cancer Biol. 2010 Aug;20:200-10; Deininger P et al. Genome Biol. 2011 Dec;12:236; van der Klift HM Hum Mutat. 2012 Jul;33(7):1051-5). This Alu element insertion has been reported in the literature in individuals referred for hereditary cancer testing (Qian Y et al. Cancer Genet. 2017 Oct;216-217:159-169). Based on the majority of available evidence to date, this variant is likely to be pathogenic.

Literature cited by the submitters: PubMed 29025590.

NM_000059.3:c.9451_9452insALU

Gene: BRCA2 (BRCA2 DNA repair associated; plus strand).
Variant type: Insertion.
Identifiers: ClinVar variation 1767000 (VCV001767000.3).